The following is an entry in ClinVar:

NM_014915.3(ANKRD26):c.3655-4T>C

Gene: ANKRD26 (ankyrin repeat domain 26; minus strand). Cytogenetic location: 10p12.1.
Variant type: single nucleotide variant.
Coding change: c.3655-4T>C on transcript NM_014915.3 (MANE Select); 4 bases into the intron before coding-DNA position 3655, T replaced by C.
Molecular consequence: intron variant.
Genome position (GRCh38, 1-based): chr10:27,033,381, A>G on the plus strand (T>C on the coding strand, the complement: ANKRD26 is on the minus strand). VCF-style: chr10-27033381-A-G. GRCh37 (hg19) VCF-style: chr10-27322310-A-G.
Other names: p.?; c.3652-4T>C (NM_001256053.2).
Identifiers: ClinVar variation 299734 (VCV000299734.17), dbSNP rs200124932, ClinGen allele CA5447992.
Genomic context (GRCh38, chr10:27,033,381, plus strand): 5'-CATAGATTGTTTTTTTAGGGTATCAGCTAGTTCTTGTTGAAGTTGTCTCACAACAACCTG[A>G]TAAGACATTTTGTTACTGATTTTATAAATCACCTTATTATTAAGTTATGTTAAAAAATAA-3'

ClinVar aggregate classification (germline): Benign. Review status: criteria provided, multiple submitters, no conflicts (2 of 4 stars). 5 submissions from 5 submitters: Benign (4). 1 of the submissions does not count toward it. Last evaluated 2026-01-24.

Conditions:
ANKRD26-related disorder. Also called: ANKRD26-related condition.
Thrombocytopenia 2 (THC2). Also called: ANKRD26-Related Thrombocytopenia. Identifiers: Orphanet 268322, MedGen C1861185, MONDO:0008555, OMIM 188000.

Allele frequency attached by ClinVar (database versions not stated): ESP Exome Variant Server 0.00017; gnomAD 0.00022 and 0.00092; TOPMed 0.00032; gnomAD exomes 0.00187 and 0.00342; ExAC 0.00373; 1000 Genomes Project 30x 0.00406; 1000 Genomes Project 0.00499.
gnomAD v4.1: 2,885 of 1,607,886 alleles (0.18%); highest among the groups gnomAD compares: South Asian, 2.7%; 60 homozygotes.

Submissions (5):

Labcorp Genetics (formerly Invitae), Labcorp
Classification: Benign. Last evaluated: 2026-01-24. Review status: criteria provided, single submitter. Criteria: Invitae Variant Classification Sherloc (09022015). Collection method: clinical testing. Allele origin: germline.

Mayo Clinic Laboratories, Mayo Clinic
Classification: Benign. Last evaluated: 2024-07-24. Review status: criteria provided, single submitter. Criteria: ACMG Guidelines, 2015. Collection method: clinical testing. Allele origin: germline. Observed: 3 variant alleles.
Comment: BS1, BS2, BP4, BP7

Genome-Nilou Lab
Classification: Benign for Thrombocytopenia 2. Last evaluated: 2021-12-05. Review status: criteria provided, single submitter. Criteria: ACMG Guidelines, 2015. Collection method: clinical testing. Allele origin: germline. Affected: no.

Illumina Laboratory Services, Illumina
Classification: Benign for Thrombocytopenia 2. Last evaluated: 2018-01-13. Review status: criteria provided, single submitter. Criteria: ICSL Variant Classification Criteria 13 December 2019. Collection method: clinical testing. Allele origin: germline.
Comment: This variant was observed in the ICSL laboratory as part of a predisposition screen in an ostensibly healthy population. It had not been previously curated by ICSL or reported in the Human Gene Mutation Database (HGMD: prior to June 1st, 2018), and was therefore a candidate for classification through an automated scoring system. Utilizing variant allele frequency, disease prevalence and penetrance estimates, and inheritance mode, an automated score was calculated to assess if this variant is too frequent to cause the disease. Based on the score and internal cut-off values, a variant classified as benign is not then subjected to further curation. The score for this variant resulted in a classification of benign for this disease.

PreventionGenetics, part of Exact Sciences
Classification: Benign for ANKRD26-related condition. Last evaluated: 2019-06-10. Review status: no assertion criteria provided. Collection method: clinical testing. Allele origin: germline. Not counted in ClinVar's aggregate classification.
Comment: This variant is classified as benign based on ACMG/AMP sequence variant interpretation guidelines (Richards et al. 2015 PMID: 25741868, with internal and published modifications).